The following is an entry in ClinVar:

ClinVar aggregate classification (germline): Uncertain significance (1 of 4 stars; one submission).

Conditions:
Hereditary cancer-predisposing syndrome. Also called: Tumor predisposition; Hereditary Cancer Syndrome; Hereditary neoplastic syndrome; Neoplastic Syndromes, Hereditary. Identifiers: Orphanet 140162, MedGen C0027672, MeSH D009386, MONDO:0015356.

Submission:

Ambry Genetics
Classification: Uncertain significance for Hereditary cancer-predisposing syndrome. Last evaluated: 2024-05-26. Review status: criteria provided, single submitter. Criteria: Ambry Variant Classification Scheme 2023. Collection method: clinical testing. Allele origin: germline.
Comment: The p.P358R variant (also known as c.1073C>G), located in coding exon 4 of the PALB2 gene, results from a C to G substitution at nucleotide position 1073. The proline at codon 358 is replaced by arginine, an amino acid with dissimilar properties. This amino acid position is conserved. In addition, this alteration is predicted to be tolerated by in silico analysis. Based on the available evidence, the clinical significance of this variant remains unclear.

NM_024675.4(PALB2):c.1073C>G (p.Pro358Arg)

Gene: PALB2 (partner and localizer of BRCA2; minus strand). Cytogenetic location: 16p12.2.
Variant type: single nucleotide variant.
Coding change: c.1073C>G on transcript NM_024675.4 (MANE Select); coding-DNA position 1073, C replaced by G.
Protein change: p.Pro358Arg; replaces proline 358 with arginine.
Molecular consequence: missense variant. On other transcripts: intron variant (3).
Genome position (GRCh38, 1-based): chr16:23,635,473, G>C on the plus strand (C>G on the coding strand, the complement: PALB2 is on the minus strand). VCF-style: chr16-23635473-G-C. GRCh37 (hg19) VCF-style: chr16-23646794-G-C.
Other names: c.1073C>G, p.Pro358Arg (NM_001407297.1, NM_001407298.1, NM_001407299.1 and 3 more transcripts); c.1013C>G, p.Pro338Arg (NM_001407296.1); c.188C>G, p.Pro63Arg (NM_001407305.1, NM_001407304.1, NM_001407306.1 and 5 more transcripts); c.48+5637C>G (NM_001407314.1); c.-104-5004C>G (NM_001407313.1, NM_001407312.1); short protein forms P63R, P358R, P338R.
Identifiers: ClinVar variation 3304009 (VCV003304009.1).